The following is an entry in ClinVar:

ClinVar aggregate classification (germline): Pathogenic. Review status: criteria provided, multiple submitters, no conflicts (2 of 4 stars). 2 submissions from 2 submitters: Pathogenic (2). Last evaluated 2025-02-27.

Conditions:
Autosomal dominant Alport syndrome (ATS3A). Also called: Alport syndrome dominant type; Renal failure and sensorineural hearing loss; ALPORT SYNDROME 3A, AUTOSOMAL DOMINANT. Identifiers: Orphanet 63, Orphanet 88918, MedGen C5882663, MONDO:0007086, OMIM 104200.

Submissions (2):

MVZ Medizinische Genetik Mainz
Classification: Pathogenic for Autosomal dominant Alport syndrome. Last evaluated: 2025-02-27. Review status: criteria provided, single submitter. Criteria: UK Practice Guidelines For Variant Classification V4 01 2020. Collection method: clinical testing. Allele origin: germline. Inheritance: Autosomal recessive inheritance. Affected: yes. Observed: 1 variant allele.
Comment: ACMG Criteria: PVS1,PM2_SUP,PP4

Labcorp Genetics (formerly Invitae), Labcorp
Classification: Pathogenic. Last evaluated: 2021-02-08. Review status: criteria provided, single submitter. Criteria: Invitae Variant Classification Sherloc (09022015). Collection method: clinical testing. Allele origin: germline.
Comment: For these reasons, this variant has been classified as Pathogenic. This variant has not been reported in the literature in individuals with COL4A3-related conditions. This variant is not present in population databases (ExAC no frequency). This sequence change creates a premature translational stop signal (p.Gly907Trpfs*33) in the COL4A3 gene. It is expected to result in an absent or disrupted protein product. Loss-of-function variants in COL4A3 are known to be pathogenic (PMID: 8956999, 24854265, 26809805, 27281700).

Literature cited by the submitters: PubMed 8956999 (cited by Labcorp Genetics (formerly Invitae), Labcorp); PubMed 24854265 (cited by Labcorp Genetics (formerly Invitae), Labcorp); PubMed 26809805 (cited by Labcorp Genetics (formerly Invitae), Labcorp); PubMed 27281700 (cited by Labcorp Genetics (formerly Invitae), Labcorp).

NM_000091.5(COL4A3):c.2717dup (p.Gly907fs)

Genes: MFF-DT (MFF divergent transcript; minus strand), COL4A3 (collagen type IV alpha 3 chain; plus strand). Cytogenetic location: 2q36.3.
Variant type: Duplication.
Coding change: c.2717dup on transcript NM_000091.5 (MANE Select); coding-DNA position 2717, one base duplicated (C; older notation c.2717dupC).
Protein change: p.Gly907fs; shifts the reading frame from glycine 907.
Molecular consequence: frameshift variant.
Genome position (GRCh38, 1-based): chr2:227,283,827, C duplicated; the last of 5 consecutive C bases (chr2:227,283,823-227,283,827); duplicating any one gives the same sequence. VCF-style (leftmost placement, unchanged base first): chr2-227283822-G-GC. GRCh37 (hg19) VCF-style: chr2-228148538-G-GC.
Other names: short protein forms G907fs.
Identifiers: ClinVar variation 1420807 (VCV001420807.7), dbSNP rs2106171752, ClinGen allele CA2573135521.